The following is an entry in ClinVar:

ClinVar aggregate classification (germline): Uncertain significance (1 of 4 stars; one submission).

Conditions:
Melnick-Needles syndrome (MNS). Also called: MELNICK-NEEDLES OSTEODYSPLASTY; OSTEODYSPLASTY OF MELNICK AND NEEDLES; Melnick-Needles Syndrome (FLNA-MNS). Identifiers: Orphanet 2484, MedGen C0025237, MONDO:0010650, OMIM 309350.
Frontometaphyseal dysplasia (FMD1). Identifiers: Orphanet 1826, MedGen C0265293, MONDO:0015942.
Heterotopia, periventricular, X-linked dominant (PVNH1). Also called: PERIVENTRICULAR NODULAR HETEROTOPIA 1; X-linked periventricular heterotopia; PERIVENTRICULAR NODULAR HETEROTOPIA 4; HETEROTOPIA, PERIVENTRICULAR, 1. Identifiers: Orphanet 2149, Orphanet 82004, MedGen C1848213, MONDO:0010233, OMIM 300049.
Oto-palato-digital syndrome, type II (OPD2). Also called: FACIOPALATOOSSEOUS SYNDROME; OPD II SYNDROME; Otopalatodigital Syndrome, Type II; Otopalatodigital Syndrome Type 2 (FLNA-OPD2). Identifiers: Orphanet 669, Orphanet 90652, MedGen C1844696, MONDO:0010571, OMIM 304120.

Submission:

Labcorp Genetics (formerly Invitae), Labcorp
Classification: Uncertain significance for Oto-palato-digital syndrome, type II; Heterotopia, periventricular, X-linked dominant; Frontometaphyseal dysplasia; Melnick-Needles syndrome. Last evaluated: 2024-09-18. Review status: criteria provided, single submitter. Criteria: Invitae Variant Classification Sherloc (09022015). Collection method: clinical testing. Allele origin: germline.
Comment: This sequence change replaces cysteine, which is neutral and slightly polar, with tyrosine, which is neutral and polar, at codon 1165 of the FLNA protein (p.Cys1165Tyr). This variant is not present in population databases (gnomAD no frequency). This variant has not been reported in the literature in individuals affected with FLNA-related conditions. Invitae Evidence Modeling of protein sequence and biophysical properties (such as structural, functional, and spatial information, amino acid conservation, physicochemical variation, residue mobility, and thermodynamic stability) indicates that this missense variant is not expected to disrupt FLNA protein function with a negative predictive value of 95%. In summary, the available evidence is currently insufficient to determine the role of this variant in disease. Therefore, it has been classified as a Variant of Uncertain Significance.

NM_001110556.2(FLNA):c.3494G>A (p.Cys1165Tyr)

Gene: FLNA (filamin A; minus strand). Cytogenetic location: Xq28.
Variant type: single nucleotide variant.
Coding change: c.3494G>A on transcript NM_001110556.2 (MANE Select); coding-DNA position 3494, G replaced by A.
Protein change: p.Cys1165Tyr; replaces cysteine 1165 with tyrosine.
Molecular consequence: missense variant.
Genome position (GRCh38, 1-based): chrX:154,360,301, C>T on the plus strand (G>A on the coding strand, the complement: FLNA is on the minus strand). VCF-style: chrX-154360301-C-T. GRCh37 (hg19) VCF-style: chrX-153588669-C-T.
Other names: c.3494G>A, p.Cys1165Tyr (NM_001456.4); short protein forms C1165Y.
Identifiers: ClinVar variation 3753995 (VCV003753995.2).
Genomic context (GRCh38, chrX:154,360,301, plus strand): 5'-CAGTCCACTTGGAATTGGCCCACCTCCCCAGCGGTGGCCCGCTCCAGCCCGGGGCCTGAG[C>T]ACTTGACTTTGGATGCGTCAAAGCAGGGAACCACGTGGGCCTTGAATGGGGAGCCAGGGA-3'
Protein context (NP_001104026.1, residues 1155-1175): VPCFDASKVK[Cys1165Tyr]SGPGLERATA